The following is an entry in ClinVar:

NM_201253.3(CRB1):c.3840A>T (p.Glu1280Asp)

Gene: CRB1 (crumbs cell polarity complex component 1; plus strand). Cytogenetic location: 1q31.3.
Variant type: single nucleotide variant.
Coding change: c.3840A>T on transcript NM_201253.3 (MANE Select); coding-DNA position 3840, A replaced by T.
Protein change: p.Glu1280Asp; replaces glutamic acid 1280 with aspartic acid.
Molecular consequence: missense variant. On other transcripts: non-coding transcript variant (2).
Genome position (GRCh38, 1-based): chr1:197,438,637, A>T. VCF-style: chr1-197438637-A-T. GRCh37 (hg19) VCF-style: chr1-197407767-A-T.
Other names: c.3504A>T, p.Glu1168Asp (NM_001193640.2); c.3768A>T, p.Glu1256Asp (NM_001257965.2); c.2232A>T, p.Glu744Asp (NM_001257966.2); short protein forms E1256D, E1168D, E1280D, E744D.
Identifiers: ClinVar variation 2119977 (VCV002119977.4), dbSNP rs2528222855, ClinGen allele CA344050932.

ClinVar aggregate classification (germline): Uncertain significance (1 of 4 stars; one submission).

Conditions:
Leber congenital amaurosis 8 (LCA8). Identifiers: Orphanet 65, MedGen C3151202, MONDO:0013453, OMIM 613835.
Retinitis pigmentosa 12 (RP12). Also called: RP WITH OR WITHOUT PRESERVED PARAARTERIOLE RETINAL PIGMENT EPITHELIUM; RETINITIS PIGMENTOSA WITH OR WITHOUT PARAARTERIOLAR PRESERVATION OF RETINAL PIGMENT EPITHELIUM; RP WITH OR WITHOUT PPRPE. Identifiers: Orphanet 791, MedGen C1838647, MONDO:0010818, OMIM 600105.

Submission:

Labcorp Genetics (formerly Invitae), Labcorp
Classification: Uncertain significance for Leber congenital amaurosis 8; Retinitis pigmentosa 12. Last evaluated: 2022-03-31. Review status: criteria provided, single submitter. Criteria: Invitae Variant Classification Sherloc (09022015). Collection method: clinical testing. Allele origin: germline.
Comment: In summary, the available evidence is currently insufficient to determine the role of this variant in disease. Therefore, it has been classified as a Variant of Uncertain Significance. Advanced modeling of protein sequence and biophysical properties (such as structural, functional, and spatial information, amino acid conservation, physicochemical variation, residue mobility, and thermodynamic stability) performed at Invitae indicates that this missense variant is not expected to disrupt CRB1 protein function. This variant has not been reported in the literature in individuals affected with CRB1-related conditions. This variant is not present in population databases (gnomAD no frequency). This sequence change replaces glutamic acid, which is acidic and polar, with aspartic acid, which is acidic and polar, at codon 1280 of the CRB1 protein (p.Glu1280Asp).